The following is an entry in ClinVar:

NM_000180.4(GUCY2D):c.85C>T (p.Leu29Phe)

Gene: GUCY2D (guanylate cyclase 2D, retinal; plus strand). Cytogenetic location: 17p13.1.
Variant type: single nucleotide variant.
Coding change: c.85C>T on transcript NM_000180.4 (MANE Select); coding-DNA position 85, C replaced by T.
Protein change: p.Leu29Phe; replaces leucine 29 with phenylalanine.
Molecular consequence: missense variant.
Genome position (GRCh38, 1-based): chr17:8,003,132, C>T. VCF-style: chr17-8003132-C-T. GRCh37 (hg19) VCF-style: chr17-7906450-C-T.
Other names: short protein forms L29F.
Identifiers: ClinVar variation 2050455 (VCV002050455.4), dbSNP rs1975660689, ClinGen allele CA397942664.
Genomic context (GRCh38, chr17:8,003,132, plus strand): 5'-GGTGGGCTTCCGGACCCCGGGCTCTGCGGTCCCGCGTGGTGGGCTCCGTCCCTGCCCCGC[C>T]TCCCCCGGGCCCTGCCCCGGCTCCCGCTCCTGCTGCTCCTGCTTCTGCTGCAGCCCCCCG-3'
Protein context (NP_000171.1, residues 19-39): PAWWAPSLPR[Leu29Phe]PRALPRLPLL

ClinVar aggregate classification (germline): Uncertain significance (1 of 4 stars; one submission).

Conditions:
Leber congenital amaurosis 1 (LCA1). Also called: RETINAL BLINDNESS, CONGENITAL; AMAUROSIS CONGENITA OF LEBER I; Congenital absence of the rods and cones; Leber's congenital tapetoretinal degeneration; Leber's congenital tapetoretinal dysplasia. Identifiers: Orphanet 65, MedGen C2931258, MONDO:0008764, OMIM 204000.
Cone-rod dystrophy 6 (CORD6). Also called: RETINAL CONE DYSTROPHY 2; Cone dystrophy progressive. Identifiers: Orphanet 1872, MedGen C1866293, MONDO:0011143, OMIM 601777.

Submission:

Labcorp Genetics (formerly Invitae), Labcorp
Classification: Uncertain significance for Leber congenital amaurosis 1; Cone-rod dystrophy 6. Last evaluated: 2022-05-03. Review status: criteria provided, single submitter. Criteria: Invitae Variant Classification Sherloc (09022015). Collection method: clinical testing. Allele origin: germline.
Comment: In summary, the available evidence is currently insufficient to determine the role of this variant in disease. Therefore, it has been classified as a Variant of Uncertain Significance. Algorithms developed to predict the effect of missense changes on protein structure and function (SIFT, PolyPhen-2, Align-GVGD) all suggest that this variant is likely to be tolerated. This variant has not been reported in the literature in individuals affected with GUCY2D-related conditions. This variant is not present in population databases (gnomAD no frequency). This sequence change replaces leucine, which is neutral and non-polar, with phenylalanine, which is neutral and non-polar, at codon 29 of the GUCY2D protein (p.Leu29Phe).